The following is an entry in ClinVar:

ClinVar aggregate classification (germline): Likely benign. Review status: criteria provided, multiple submitters, no conflicts (2 of 4 stars). 4 submissions from 4 submitters: Likely benign (4). Last evaluated 2026-04-01.

Conditions:
Hereditary cancer-predisposing syndrome. Also called: Tumor predisposition; Neoplastic Syndromes, Hereditary; Hereditary Cancer Syndrome; Hereditary neoplastic syndrome. Identifiers: Orphanet 140162, MedGen C0027672, MeSH D009386, MONDO:0015356.
Neurofibromatosis, type 1 (NF1). Also called: Peripheral type neurofibromatosis; Neurofibromatosis, type I; NEUROFIBROMATOSIS, TYPE I, SOMATIC; VON RECKLINGHAUSEN DISEASE. Identifiers: Orphanet 636, MedGen C0027831, MONDO:0018975, OMIM 162200. Disease mechanism: loss of function.

Allele frequency attached by ClinVar (database versions not stated): TOPMed below 0.00001; gnomAD 0.00001; gnomAD exomes 0.00001.
gnomAD v4.1: 2 of 1,539,690 alleles (0.00013%); highest among the groups gnomAD compares: East Asian, 0.0024%; no homozygotes.

Submissions (4):

CeGaT Center for Human Genetics Tuebingen
Classification: Likely benign. Last evaluated: 2026-04-01. Review status: criteria provided, single submitter. Criteria: CeGaT Center For Human Genetics Tuebingen Variant Classification Criteria Version 2. Collection method: clinical testing. Allele origin: germline. Affected: yes. Observed: 1 variant allele.
Comment: NF1: BP4, BP7

Labcorp Genetics (formerly Invitae), Labcorp
Classification: Likely benign for Neurofibromatosis, type 1. Last evaluated: 2025-05-30. Review status: criteria provided, single submitter. Criteria: Invitae Variant Classification Sherloc (09022015). Collection method: clinical testing. Allele origin: germline.

Genome-Nilou Lab
Classification: Likely benign for Neurofibromatosis, type 1. Last evaluated: 2022-03-15. Review status: criteria provided, single submitter. Criteria: ACMG Guidelines, 2015. Collection method: clinical testing. Allele origin: germline. Affected: no.

Ambry Genetics
Classification: Likely benign for Hereditary cancer-predisposing syndrome. Last evaluated: 2014-12-23. Review status: criteria provided, single submitter. Criteria: Ambry Autosomal Dominant and X-Linked criteria (10/2015). Collection method: clinical testing. Allele origin: germline. Observed: 1 variant allele.

NM_001042492.3(NF1):c.36C>T (p.Ala12=)

Genes: MIR4733HG (MIR4733 host gene; minus strand), NF1 (neurofibromin 1; plus strand), LOC111811965 (NF1 (neurofibromin 1) promoter region; plus strand). Cytogenetic location: 17q11.2.
Variant type: single nucleotide variant.
Coding change: c.36C>T on transcript NM_001042492.3 (MANE Select); coding-DNA position 36, C replaced by T.
Protein change: p.Ala12=; no amino-acid change (alanine 12 retained).
Molecular consequence: synonymous variant. On other transcripts: non-coding transcript variant (1).
Genome position (GRCh38, 1-based): chr17:31,095,345, C>T. VCF-style: chr17-31095345-C-T. GRCh37 (hg19) VCF-style: chr17-29422363-C-T.
Other names: c.36C>T, p.Ala12= (NM_000267.4, NM_001128147.3).
Identifiers: ClinVar variation 187615 (VCV000187615.15), dbSNP rs786203866, ClinGen allele CA198098.